The following is an entry in ClinVar:

ClinVar aggregate classification (germline): Uncertain significance. Review status: criteria provided, multiple submitters, no conflicts (2 of 4 stars). 3 submissions from 3 submitters: Uncertain significance (3). Last evaluated 2024-02-06.

Conditions:
Inborn genetic diseases. Identifiers: MedGen C0950123, MeSH D030342.
Multiple congenital anomalies-hypotonia-seizures syndrome 2 (MCAHS2). Also called: GLYCOSYLPHOSPHATIDYLINOSITOL BIOSYNTHESIS DEFECT 4; EPILEPTIC ENCEPHALOPATHY, EARLY INFANTILE, 20. Identifiers: Orphanet 300496, MedGen C3275508, MONDO:0010466, OMIM 300868.

Allele frequency attached by ClinVar (database versions not stated): TOPMed 0.00001; gnomAD 0.00002.
gnomAD v4.1: 55 of 1,208,778 alleles (0.0046%); highest among the groups gnomAD compares: Non-Finnish European, 0.006%; no homozygotes.

Submissions (3):

Labcorp Genetics (formerly Invitae), Labcorp
Classification: Uncertain significance for Multiple congenital anomalies-hypotonia-seizures syndrome 2. Last evaluated: 2024-02-06. Review status: criteria provided, single submitter. Criteria: Invitae Variant Classification Sherloc (09022015). Collection method: clinical testing. Allele origin: germline.
Comment: This sequence change replaces valine, which is neutral and non-polar, with methionine, which is neutral and non-polar, at codon 173 of the PIGA protein (p.Val173Met). This variant is present in population databases (rs752395232, gnomAD 0.001%). This missense change has been observed in individual(s) with clinical features of PIGA-related conditions (Invitae). ClinVar contains an entry for this variant (Variation ID: 1055858). Advanced modeling of protein sequence and biophysical properties (such as structural, functional, and spatial information, amino acid conservation, physicochemical variation, residue mobility, and thermodynamic stability) performed at Invitae indicates that this missense variant is not expected to disrupt PIGA protein function with a negative predictive value of 95%. In summary, the available evidence is currently insufficient to determine the role of this variant in disease. Therefore, it has been classified as a Variant of Uncertain Significance.

Illumina Laboratory Services, Illumina
Classification: Uncertain significance for Multiple congenital anomalies-hypotonia-seizures syndrome 2. Last evaluated: 2021-06-08. Review status: criteria provided, single submitter. Criteria: ICSLVariantClassificationCriteria RUGD 01 April 2020. Collection method: clinical testing. Allele origin: unknown.
Comment: The PIGA c.517G>A (p.Val173Met) variant is a missense variant. A literature search was performed for the gene, cDNA change, and amino acid change. No publications were found based on this search. This variant is found at a frequency of 0.000048 in the European (Non-Finnish) population of the Genome Aggregation Database (version 3.1.1), though this is based on two heterozygous alleles in a region of good sequence coverage so the variant is presumed to be rare. Based on the available evidence, the p.Val173Met variant is classified as a variant of uncertain significance for multiple congenital anomalies-hypotonia-seizures syndrome 2.

Ambry Genetics
Classification: Uncertain significance for Inborn genetic diseases. Last evaluated: 2017-10-27. Review status: criteria provided, single submitter. Criteria: Ambry Variant Classification Scheme 2023. Collection method: clinical testing. Allele origin: germline.
Comment: The p.V173M variant (also known as c.517G>A), located in coding exon 1 of the PIGA gene, results from a G to A substitution at nucleotide position 517. The valine at codon 173 is replaced by methionine, an amino acid with highly similar properties. This amino acid position is highly conserved in available vertebrate species. In addition, this alteration is predicted to be tolerated by in silico analysis. Since supporting evidence is limited at this time, the clinical significance of this alteration remains unclear.

NM_002641.4(PIGA):c.517G>A (p.Val173Met)

Gene: PIGA (phosphatidylinositol glycan anchor biosynthesis class A; minus strand). Cytogenetic location: Xp22.2.
Variant type: single nucleotide variant.
Coding change: c.517G>A on transcript NM_002641.4 (MANE Select); coding-DNA position 517, G replaced by A.
Protein change: p.Val173Met; replaces valine 173 with methionine.
Molecular consequence: missense variant. On other transcripts: intron variant (1).
Genome position (GRCh38, 1-based): chrX:15,331,414, C>T on the plus strand (G>A on the coding strand, the complement: PIGA is on the minus strand). VCF-style: chrX-15331414-C-T. GRCh37 (hg19) VCF-style: chrX-15349536-C-T.
Other names: c.13+4087G>A (NM_020473.3); short protein forms V173M.
Identifiers: ClinVar variation 1055858 (VCV001055858.12), dbSNP rs752395232, ClinGen allele CA10354151.